The following is an entry in ClinVar:

ClinVar aggregate classification (germline): Uncertain significance (1 of 4 stars; one submission).

Conditions:
Gingival disorder. Also called: Gingival disease. Identifiers: MedGen C0017563, MONDO:0002021.

Allele frequency attached by ClinVar (database versions not stated): ExAC 0.00001; gnomAD 0.00001; gnomAD exomes 0.00001; TOPMed 0.00001.
gnomAD v4.1: 16 of 1,614,000 alleles (0.00099%); highest among the groups gnomAD compares: South Asian, 0.0066%; no homozygotes.

Submission:

Labcorp Genetics (formerly Invitae), Labcorp
Classification: Uncertain significance for Gingival disorder. Last evaluated: 2025-10-21. Review status: criteria provided, single submitter. Criteria: Invitae Variant Classification Sherloc (09022015). Collection method: clinical testing. Allele origin: germline.
Comment: This sequence change replaces glycine, which is neutral and non-polar, with arginine, which is basic and polar, at codon 111 of the FPR1 protein (p.Gly111Arg). This variant is present in population databases (rs749737014, gnomAD 0.003%). This variant has not been reported in the literature in individuals affected with FPR1-related conditions. ClinVar contains an entry for this variant (Variation ID: 860414). An algorithm developed to predict the effect of missense changes on protein structure and function (PolyPhen-2) suggests that this variant is likely to be disruptive. In summary, the available evidence is currently insufficient to determine the role of this variant in disease. Therefore, it has been classified as a Variant of Uncertain Significance.

NM_002029.4(FPR1):c.331G>A (p.Gly111Arg)

Gene: FPR1 (formyl peptide receptor 1; minus strand). Cytogenetic location: 19q13.41.
Variant type: single nucleotide variant.
Coding change: c.331G>A on transcript NM_002029.4 (MANE Select); coding-DNA position 331, G replaced by A.
Protein change: p.Gly111Arg; replaces glycine 111 with arginine.
Molecular consequence: missense variant.
Genome position (GRCh38, 1-based): chr19:51,746,664, C>T on the plus strand (G>A on the coding strand, the complement: FPR1 is on the minus strand). VCF-style: chr19-51746664-C-T. GRCh37 (hg19) VCF-style: chr19-52249917-C-T.
Other names: c.331G>A, p.Gly111Arg (NM_001193306.2); short protein forms G111R.
Identifiers: ClinVar variation 860414 (VCV000860414.11), dbSNP rs749737014, ClinGen allele CA9616485.
Genomic context (GRCh38, chr19:51,746,664, plus strand): 5'-CTGGATGCAGGACGCAAACACAGCGGTCCAGAGCAATGAGGGCGATCAGGAAGACACTTC[C>T]GAACAAGTTGATGTCCACTATGGTAAAGACGAATTTGCACAGGAACCAGCCGAAAGGCCA-3'
Protein context (NP_002020.1, residues 101-121): VFTIVDINLF[Gly111Arg]SVFLIALIAL